The following is an entry in ClinVar:

ClinVar aggregate classification (germline): Likely pathogenic (1 of 4 stars; one submission).

Conditions:
Hereditary cancer-predisposing syndrome. Also called: Neoplastic Syndromes, Hereditary; Tumor predisposition; Hereditary neoplastic syndrome; Hereditary Cancer Syndrome. Identifiers: Orphanet 140162, MedGen C0027672, MeSH D009386, MONDO:0015356.

Submission:

Ambry Genetics
Classification: Likely pathogenic for Hereditary cancer-predisposing syndrome. Last evaluated: 2022-11-23. Review status: criteria provided, single submitter. Criteria: Ambry Variant Classification Scheme 2023. Collection method: clinical testing. Allele origin: germline.
Comment: The c.99-1G>A intronic variant results from a G to A substitution one nucleotide upstream from coding exon 2 of the BLM gene. This variant is considered to be rare based on population cohorts in the Genome Aggregation Database (gnomAD). This nucleotide position is highly conserved in available vertebrate species. In silico splice site analysis predicts that this alteration will weaken the native splice acceptor site and will result in the creation or strengthening of a novel splice acceptor site. Alterations that disrupt the canonical splice site are expected to cause aberrant splicing, resulting in an abnormal protein or a transcript that is subject to nonsense-mediated mRNA decay. As such, this alteration is classified as likely pathogenic.

NM_000057.4(BLM):c.99-1G>A

Gene: BLM (BLM RecQ like helicase; plus strand). Cytogenetic location: 15q26.1.
Variant type: single nucleotide variant.
Coding change: c.99-1G>A on transcript NM_000057.4 (MANE Select); the canonical splice acceptor site of the intron before coding-DNA position 99, G replaced by A.
Molecular consequence: splice acceptor variant.
Genome position (GRCh38, 1-based): chr15:90,749,366, G>A. VCF-style: chr15-90749366-G-A. GRCh37 (hg19) VCF-style: chr15-91292596-G-A.
Other names: c.99-1G>A (NM_001287246.2, NM_001287247.2); c.-1193-1G>A (NM_001287248.2).
Identifiers: ClinVar variation 2452531 (VCV002452531.2), dbSNP rs897262346, ClinGen allele CA393839277.